The following is an entry in ClinVar:

ClinVar aggregate classification (germline): Uncertain significance (1 of 4 stars; one submission).

Conditions:
Familial thoracic aortic aneurysm and aortic dissection (TAAD). Also called: Thoracic aortic aneurysms and dissections. Identifiers: Orphanet 91387, MedGen C4707243, MONDO:0019625.

Submission:

Ambry Genetics
Classification: Uncertain significance for Familial thoracic aortic aneurysm and aortic dissection. Last evaluated: 2026-04-16. Review status: criteria provided, single submitter. Criteria: Ambry Variant Classification Scheme 2023. Collection method: clinical testing. Allele origin: germline.
Comment: The p.M108K variant (also known as c.323T>A), located in coding exon 1 of the TGFB2 gene, results from a T to A substitution at nucleotide position 323. The methionine at codon 108 is replaced by lysine, an amino acid with similar properties. This amino acid position is conserved. In addition, this alteration is predicted to be deleterious by in silico analysis. Based on the available evidence, the clinical significance of this variant remains unclear.

NM_003238.6(TGFB2):c.323T>A (p.Met108Lys)

Gene: TGFB2 (transforming growth factor beta 2; plus strand). Cytogenetic location: 1q41.
Variant type: single nucleotide variant.
Coding change: c.323T>A on transcript NM_003238.6 (MANE Select); coding-DNA position 323, T replaced by A.
Protein change: p.Met108Lys; replaces methionine 108 with lysine.
Molecular consequence: missense variant. On other transcripts: non-coding transcript variant (2).
Genome position (GRCh38, 1-based): chr1:218,347,024, T>A. VCF-style: chr1-218347024-T-A. GRCh37 (hg19) VCF-style: chr1-218520366-T-A.
Other names: c.323T>A, p.Met108Lys (NM_001135599.4); short protein forms M108K.
Identifiers: ClinVar variation 4865640 (VCV004865640.1).